The following is an entry in ClinVar:

ClinVar aggregate classification (germline): Likely pathogenic (1 of 4 stars; one submission).

Conditions:
Intellectual developmental disorder, X-linked, syndromic, Gustavson type. Also called: GUSTAVSON SYNDROME; Severe X-linked intellectual disability, Gustavson type; INTELLECTUAL DEVELOPMENTAL DISORDER WITH OPTIC ATROPHY, DEAFNESS, AND SEIZURES. Identifiers: Orphanet 3078, MedGen C0795965, MONDO:0010661, OMIM 309555.

Submission:

Variantyx, Inc.
Classification: Likely pathogenic for Intellectual developmental disorder, X-linked, syndromic, Gustavson type. Last evaluated: 2026-04-20. Review status: criteria provided, single submitter. Criteria: Variantyx Assertion Criteria 2022. Collection method: clinical testing. Allele origin: de novo. Inheritance: X-linked recessive inheritance.
Comment: This is a frameshift variant in the RBMX gene (OMIM: 300199). Pathogenic variants in this gene have been associated with X-linked intellectual developmental disorder 11, Gustavson type (provisional association). This variant introduces a premature termination codon in exon 8 out of 9. It is not expected to result in nonsense-mediated mRNA decay (PMID:27618451;32733040) and a truncated protein may be produced (PM4). The truncation lies upstream of the RNA-binding region and creates a protein devoid of this critical domain. This variant is absent from control populations (PM2_Supporting) and it has not been reported in individuals with RBMX-related disorders in the databases available for review. Based on the current evidence, this variant is classified as likely pathogenic for X-linked intellectual developmental disorder 11, Gustavson type (provisional association).

Literature cited by the submitters: PubMed 27618451; PubMed 32733040.

NM_002139.4(RBMX):c.855dup (p.Glu286Ter)

Genes: RBMX (RNA binding motif protein X-linked; minus strand), LOC126863330 (MED14-independent group 3 enhancer GRCh37_chrX:135956167-135957366; plus strand). Cytogenetic location: Xq26.3.
Variant type: Duplication.
Coding change: c.855dup on transcript NM_002139.4 (MANE Select); coding-DNA position 855, one base duplicated (T; older notation c.855dupT).
Protein change: p.Glu286Ter; replaces glutamic acid 286 with a stop codon.
Molecular consequence: nonsense. On other transcripts: frameshift variant (1), non-coding transcript variant (2).
Genome position (GRCh38, 1-based): chrX:136,875,096, A duplicated on the plus strand (T on the coding strand, the reverse complement: RBMX is on the minus strand). VCF-style (leftmost placement, unchanged base first): chrX-136875095-C-CA. GRCh37 (hg19) VCF-style: chrX-135957254-C-CA.
Other names: c.855dupT (NM_002139.4); c.530dup, p.Met177fs (NM_001164803.2); short protein forms E286*, M177fs.
Identifiers: ClinVar variation 4850208 (VCV004850208.1).
Genomic context (GRCh38, chrX:136,875,095, plus strand): 5'-AACCTAAAAACTCAAGCTGGTGATACTAAAGACCCTTAACCAGTATCTTACCATAACTCT[C>CA]ATATGAATCTCTGTAGGAACCTCCACTTGGATGATCTGAATAGTCACGATCACGACCATA-3'